The following is an entry in ClinVar:

NM_000179.3(MSH6):c.2964dup (p.Asn989fs)

Gene: MSH6 (mutS homolog 6; plus strand). Cytogenetic location: 2p16.3.
Variant type: Duplication.
Coding change: c.2964dup on transcript NM_000179.3 (MANE Select); coding-DNA position 2964, one base duplicated (C; older notation c.2964dupC).
Protein change: p.Asn989fs; shifts the reading frame from asparagine 989.
Molecular consequence: frameshift variant.
Genome position (GRCh38, 1-based): chr2:47,800,947, C duplicated. VCF-style (leftmost placement, unchanged base first): chr2-47800946-G-GC. GRCh37 (hg19) VCF-style: chr2-48028085-G-GC.
Other names: c.2574dup, p.Asn859fs (NM_001281492.2); c.2058dup, p.Asn687fs (NM_001281493.2, NM_001281494.2); c.2964dupC (NM_000179.2); c.2964dup (NM_000179.2); short protein forms N687fs, N859fs, N989fs.
Identifiers: ClinVar variation 141326 (VCV000141326.9), dbSNP rs587781659, ClinGen allele CA165117.
Genomic context (GRCh38, chr2:47,800,946, plus strand): 5'-TCTATTGGGGGATTGGTAGGAACCGTTACCAGCTGGAAATTCCTGAGAATTTCACCACTC[G>GC]CAATTTGCCAGAAGAATACGAGTTGAAATCTACCAAGAAGGGCTGTAAACGATACTGGAC-3'

ClinVar aggregate classification (germline): Pathogenic. Review status: criteria provided, multiple submitters, no conflicts (2 of 4 stars). 4 submissions from 4 submitters: Pathogenic (4). Last evaluated 2024-06-05.

Conditions:
MSH6-related disorder. Also called: MSH6-related condition; MSH6-Related disorders.
Hereditary cancer-predisposing syndrome. Also called: Neoplastic Syndromes, Hereditary; Tumor predisposition; Hereditary Cancer Syndrome; Hereditary neoplastic syndrome. Identifiers: Orphanet 140162, MedGen C0027672, MeSH D009386, MONDO:0015356.
Lynch syndrome 5 (LYNCH5). Also called: Colorectal cancer, hereditary nonpolyposis, type 5; Hereditary non-polyposis colorectal cancer, type 5. Identifiers: Orphanet 144, MedGen C1833477, MONDO:0013710, OMIM 614350. Disease mechanism: loss of function.

Submissions (4):

Ambry Genetics
Classification: Pathogenic for Hereditary cancer-predisposing syndrome. Last evaluated: 2024-06-05. Review status: criteria provided, single submitter. Criteria: Ambry Variant Classification Scheme 2023. Collection method: clinical testing. Allele origin: germline.
Comment: The c.2964dupC pathogenic mutation, located in coding exon 4 of the MSH6 gene, results from a duplication of C at nucleotide position 2964, causing a translational frameshift with a predicted alternate stop codon (p.N989Qfs*16). This variant is considered to be rare based on population cohorts in the Genome Aggregation Database (gnomAD). This alteration is expected to result in loss of function by premature protein truncation or nonsense-mediated mRNA decay. As such, this alteration is interpreted as a disease-causing mutation.

Myriad Genetics, Inc.
Classification: Pathogenic for Lynch syndrome 5. Last evaluated: 2023-08-21. Review status: criteria provided, single submitter. Criteria: Myriad Autosomal Dominant, Autosomal Recessive and X-Linked Classification Criteria (2023). Collection method: clinical testing. Allele origin: unknown.
Comment: This variant is considered pathogenic. This variant creates a frameshift predicted to result in premature protein truncation.

GeneDx
Classification: Pathogenic. Last evaluated: 2023-05-09. Review status: criteria provided, single submitter. Criteria: GeneDx Variant Classification Process June 2021. Collection method: clinical testing. Allele origin: germline. Affected: yes.
Comment: Frameshift variant predicted to result in protein truncation or nonsense mediated decay in a gene for which loss of function is a known mechanism of disease; Not observed at significant frequency in large population cohorts (gnomAD); Truncating variants in this gene are considered pathogenic by a well-established clinical consortium and/or database; Identified in individual(s) referred for hereditary cancer testing (LaDuca et al., 2017); This variant is associated with the following publications: (PMID: 28152038)

PreventionGenetics, part of Exact Sciences
Classification: Pathogenic for MSH6-related condition. Last evaluated: 2023-01-31. Review status: criteria provided, single submitter. Criteria: ACMG Guidelines, 2015. Collection method: clinical testing. Allele origin: germline.
Comment: The MSH6 c.2964dupC variant is predicted to result in a frameshift and premature protein termination (p.Asn989Glnfs*16). This variant has been reported in an individual with unknown phenotype (Table S3 in LaDuca et al. 2017. PubMed ID: 28152038). This variant has not been reported in a large population database, indicating this variant is rare. It is interpreted as pathogenic in ClinVar. Frameshift variants in MSH6 are expected to be pathogenic, and therefore we interpret c.2964dup (p.Asn989Glnfs*16) as pathogenic.